The following is an entry in ClinVar:

ClinVar aggregate classification (germline): Uncertain significance. Review status: criteria provided, multiple submitters, no conflicts (2 of 4 stars). 2 submissions from 2 submitters: Uncertain significance (2). Last evaluated 2022-07-26.

Conditions:
Dyskeratosis congenita, autosomal dominant 2. Identifiers: MedGen C3151443, MONDO:0013521, OMIM 613989.
Idiopathic Pulmonary Fibrosis. Also called: Idiopathic fibrosing alveolitis, chronic form; idiopathic fibrosing alveolitis. Identifiers: Orphanet 2032, MedGen C1800706, MeSH D054990, MONDO:0800504.
Dyskeratosis congenita. Identifiers: Orphanet 1775, MedGen C0265965, MONDO:0015780.

Submissions (2):

Labcorp Genetics (formerly Invitae), Labcorp
Classification: Uncertain significance for Dyskeratosis congenita, autosomal dominant 2; Idiopathic Pulmonary Fibrosis. Last evaluated: 2022-07-26. Review status: criteria provided, single submitter. Criteria: Invitae Variant Classification Sherloc (09022015). Collection method: clinical testing. Allele origin: germline.
Comment: This sequence change replaces alanine, which is neutral and non-polar, with valine, which is neutral and non-polar, at codon 45 of the TERT protein (p.Ala45Val). This variant is not present in population databases (gnomAD no frequency). This variant has not been reported in the literature in individuals affected with TERT-related conditions. Advanced modeling of protein sequence and biophysical properties (such as structural, functional, and spatial information, amino acid conservation, physicochemical variation, residue mobility, and thermodynamic stability) performed at Invitae indicates that this missense variant is not expected to disrupt TERT protein function. In summary, the available evidence is currently insufficient to determine the role of this variant in disease. Therefore, it has been classified as a Variant of Uncertain Significance.

Ambry Genetics
Classification: Uncertain significance for Dyskeratosis congenita. Last evaluated: 2022-03-24. Review status: criteria provided, single submitter. Criteria: Ambry Variant Classification Scheme 2023. Collection method: clinical testing. Allele origin: germline.
Comment: The p.A45V variant (also known as c.134C>T), located in coding exon 1 of the TERT gene, results from a C to T substitution at nucleotide position 134. The alanine at codon 45 is replaced by valine, an amino acid with similar properties. This amino acid position is conserved. In addition, this alteration is predicted to be tolerated by in silico analysis. Since supporting evidence is limited at this time, the clinical significance of this alteration remains unclear.

NM_198253.3(TERT):c.134C>T (p.Ala45Val)

Genes: TERT (telomerase reverse transcriptase; minus strand), LOC110806263 (TERT 5' regulatory region; plus strand). Cytogenetic location: 5p15.33.
Variant type: single nucleotide variant.
Coding change: c.134C>T on transcript NM_198253.3 (MANE Select); coding-DNA position 134, C replaced by T.
Protein change: p.Ala45Val; replaces alanine 45 with valine.
Molecular consequence: missense variant. On other transcripts: non-coding transcript variant (2).
Genome position (GRCh38, 1-based): chr5:1,294,856, G>A on the plus strand (C>T on the coding strand, the complement: TERT is on the minus strand). VCF-style: chr5-1294856-G-A. GRCh37 (hg19) VCF-style: chr5-1294971-G-A.
Other names: c.134C>T, p.Ala45Val (NM_001193376.3, NM_003219.1); short protein forms A45V.
Identifiers: ClinVar variation 1770568 (VCV001770568.7), dbSNP rs1751292811, ClinGen allele CA359059118.
Genomic context (GRCh38, chr5:1,294,856, plus strand): 5'-GGCGGCCGTGCGTCCCAGGGCACGCACACCAGGCACTGGGCCACCAGCGCGCGGAAAGCC[G>A]CCGGGTCCCCGCGCTGCACCAGCCGCCAGCCCTGGGGCCCCAGGCGCCGCACGAACGTGG-3'
Protein context (NP_937983.2, residues 35-55): GWRLVQRGDP[Ala45Val]AFRALVAQCL